The following is an entry in ClinVar:

NM_001065.4(TNFRSF1A):c.1192G>A (p.Glu398Lys)

Gene: TNFRSF1A (TNF receptor superfamily member 1A; minus strand). Cytogenetic location: 12p13.31.
Variant type: single nucleotide variant.
Coding change: c.1192G>A on transcript NM_001065.4 (MANE Select); coding-DNA position 1192, G replaced by A.
Protein change: p.Glu398Lys; replaces glutamic acid 398 with lysine.
Molecular consequence: missense variant. On other transcripts: non-coding transcript variant (1).
Genome position (GRCh38, 1-based): chr12:6,329,488, C>T on the plus strand (G>A on the coding strand, the complement: TNFRSF1A is on the minus strand). VCF-style: chr12-6329488-C-T. GRCh37 (hg19) VCF-style: chr12-6438654-C-T.
Other names: c.868G>A, p.Glu290Lys (NM_001346091.2); c.733G>A, p.Glu245Lys (NM_001346092.2); short protein forms E245K, E398K, E290K.
Identifiers: ClinVar variation 3709200 (VCV003709200.2).

ClinVar aggregate classification (germline): Uncertain significance (1 of 4 stars; one submission).

Conditions:
TNF receptor-associated periodic fever syndrome (TRAPS) (FPF). Also called: FAMILIAL HIBERNIAN FEVER; TNF RECEPTOR-ASSOCIATED PERIODIC SYNDROME; TUMOR NECROSIS FACTOR RECEPTOR-ASSOCIATED PERIODIC SYNDROME; Autosomal Dominant Familial Periodic Fever; TNF Receptor-Associated Periodic Fever Syndrome; TNF receptor 1-associated periodic fever syndrome. Identifiers: Orphanet 32960, MedGen C1275126, MONDO:0007727, OMIM 142680.

Submission:

Labcorp Genetics (formerly Invitae), Labcorp
Classification: Uncertain significance for TNF receptor-associated periodic fever syndrome (TRAPS). Last evaluated: 2024-04-25. Review status: criteria provided, single submitter. Criteria: Invitae Variant Classification Sherloc (09022015). Collection method: clinical testing. Allele origin: germline.
Comment: This sequence change replaces glutamic acid, which is acidic and polar, with lysine, which is basic and polar, at codon 398 of the TNFRSF1A protein (p.Glu398Lys). This variant is present in population databases (rs779995866, gnomAD 0.001%). This variant has not been reported in the literature in individuals affected with TNFRSF1A-related conditions. Advanced modeling of protein sequence and biophysical properties (such as structural, functional, and spatial information, amino acid conservation, physicochemical variation, residue mobility, and thermodynamic stability) has been performed at Invitae for this missense variant, however the output from this modeling did not meet the statistical confidence thresholds required to predict the impact of this variant on TNFRSF1A protein function. In summary, the available evidence is currently insufficient to determine the role of this variant in disease. Therefore, it has been classified as a Variant of Uncertain Significance.